The following is an entry in ClinVar:

NM_000179.3(MSH6):c.4042_4053del (p.Glu1348_His1351del)

Gene: MSH6 (mutS homolog 6; plus strand). Cytogenetic location: 2p16.3.
Variant type: Deletion.
Coding change: c.4042_4053del on transcript NM_000179.3 (MANE Select); coding-DNA positions 4042 to 4053, 12 bases deleted (GAAGCTGTCCAT).
Protein change: p.Glu1348_His1351del.
Molecular consequence: inframe deletion. On other transcripts: 3 prime UTR variant (5), non-coding transcript variant (5).
Genome position (GRCh38, 1-based): chr2:47,806,819-47,806,830, GAAGCTGTCCAT deleted; deleting any 12 consecutive bases within chr2:47,806,818-47,806,830 gives the same sequence; the c. name uses the placement nearest the transcript's 3' end. VCF-style (leftmost placement, unchanged base first): chr2-47806817-CTGAAGCTGTCCA-C. GRCh37 (hg19) VCF-style: chr2-48033956-CTGAAGCTGTCCA-C.
Other names: c.3652_3663del, p.Glu1218_His1221del (NM_001281492.2); c.3136_3147del, p.Glu1046_His1049del (NM_001281493.2, NM_001281494.2, NM_001406811.1 and 6 more transcripts); c.4138_4149del, p.Glu1380_His1383del (NM_001406795.1); c.4042_4053del, p.Glu1348_His1351del (NM_001406796.1, NM_001406809.1); c.3745_3756del, p.Glu1249_His1252del (NM_001406797.1, NM_001406805.1, NM_001406818.1 and 8 more transcripts); c.3868_3879del, p.Glu1290_His1293del (NM_001406798.1); c.3517_3528del, p.Glu1173_His1176del (NM_001406799.1, NM_001406806.1, NM_001406807.1); c.*63_*74del (NM_001406800.1); and 9 more.
Identifiers: ClinVar variation 4726153 (VCV004726153.1).

ClinVar aggregate classification (germline): Uncertain significance (1 of 4 stars; one submission).

Conditions:
Hereditary nonpolyposis colorectal neoplasms. Identifiers: MedGen C0009405, MeSH D003123.

Submission:

Labcorp Genetics (formerly Invitae), Labcorp
Classification: Uncertain significance for Hereditary nonpolyposis colorectal neoplasms. Last evaluated: 2025-08-28. Review status: criteria provided, single submitter. Criteria: Invitae Variant Classification Sherloc (09022015). Collection method: clinical testing. Allele origin: germline.
Comment: This variant, c.4042_4053del, results in the deletion of 4 amino acid(s) of the MSH6 protein (p.Glu1348_His1351del), but otherwise preserves the integrity of the reading frame. This variant is not present in population databases (gnomAD no frequency). This variant has not been reported in the literature in individuals affected with MSH6-related conditions. Experimental studies and prediction algorithms are not available or were not evaluated, and the functional significance of this variant is currently unknown. Algorithms developed to predict the effect of sequence changes on RNA splicing suggest that this variant may disrupt the consensus splice site. In summary, the available evidence is currently insufficient to determine the role of this variant in disease. Therefore, it has been classified as a Variant of Uncertain Significance.